The following is an entry in ClinVar:

NM_058004.4(PI4KA):c.5935A>G (p.Met1979Val)

Gene: PI4KA (phosphatidylinositol 4-kinase alpha; minus strand). Cytogenetic location: 22q11.21.
Variant type: single nucleotide variant.
Coding change: c.5935A>G on transcript NM_058004.4 (MANE Select); coding-DNA position 5935, A replaced by G.
Protein change: p.Met1979Val; replaces methionine 1979 with valine.
Molecular consequence: missense variant.
Genome position (GRCh38, 1-based): chr22:20,710,847, T>C on the plus strand (A>G on the coding strand, the complement: PI4KA is on the minus strand). VCF-style: chr22-20710847-T-C. GRCh37 (hg19) VCF-style: chr22-21065135-T-C.
Other names: c.5842A>G, p.Met1948Val (NM_001362862.2); c.5869A>G, p.Met1957Val (NM_001362863.2); short protein forms M1948V, M1957V, M1979V.
Identifiers: ClinVar variation 2652905 (VCV002652905.24), dbSNP rs752666874, ClinGen allele CA10114488.

ClinVar aggregate classification (germline): Uncertain significance (1 of 4 stars; one submission).

Allele frequency attached by ClinVar (database versions not stated): ExAC 0.00026.

Submission:

CeGaT Center for Human Genetics Tuebingen
Classification: Uncertain significance. Last evaluated: 2023-02-01. Review status: criteria provided, single submitter. Criteria: CeGaT Center For Human Genetics Tuebingen Variant Classification Criteria Version 2. Collection method: clinical testing. Allele origin: germline. Affected: yes. Observed: 1 variant allele.
Comment: PI4KA: PP2